The following is an entry in ClinVar:

NM_013296.5(GPSM2):c.1876G>C (p.Val626Leu)

Genes: CLCC1 (chloride channel CLIC like 1; minus strand), GPSM2 (G protein signaling modulator 2; plus strand). Cytogenetic location: 1p13.3.
Variant type: single nucleotide variant.
Coding change: c.1876G>C on transcript NM_013296.5 (MANE Select); coding-DNA position 1876, G replaced by C.
Protein change: p.Val626Leu; replaces valine 626 with leucine.
Molecular consequence: missense variant. On other transcripts: 3 prime UTR variant (17), non-coding transcript variant (1).
Genome position (GRCh38, 1-based): chr1:108,929,761, G>C. VCF-style: chr1-108929761-G-C. GRCh37 (hg19) VCF-style: chr1-109472383-G-C.
Other names: c.*2786C>G (NM_001048210.3, NM_001278202.2, NM_001278203.1 and 10 more transcripts); c.*2791C>G (NM_001377459.1, NM_001377460.1, NM_001377462.1 and 1 more transcripts); c.1876G>C, p.Val626Leu (NM_001321038.2, NM_001321039.3); short protein forms V626L.
Identifiers: ClinVar variation 163643 (VCV000163643.7), dbSNP rs727503087, ClinGen allele CA176261.
Genomic context (GRCh38, chr1:108,929,761, plus strand): 5'-GGATCCAGATTAGATGATCAAAGATGTGCTCCACCACCTGCTACCACAAAGGGTCCGACA[G>C]TACCAGATGAAGACTTTTTCAGCCTTATTTTACGGTCCCAGGGAAAGAGAATGGATGAAC-3'
Protein context (NP_037428.3, residues 616-636): PPPATTKGPT[Val626Leu]PDEDFFSLIL

ClinVar aggregate classification (germline): Uncertain significance. Review status: criteria provided, multiple submitters, no conflicts (2 of 4 stars). 2 submissions from 2 submitters: Uncertain significance (2). Last evaluated 2021-04-12.

Conditions:
Hearing impairment. Also called: Impaired Hearing. Identifiers: MedGen C1384666, MONDO:0005365, HP:0000365.

Allele frequency attached by ClinVar (database versions not stated): TOPMed 0.00002; gnomAD 0.00003.
gnomAD v4.1: 25 of 1,613,264 alleles (0.0015%); highest among the groups gnomAD compares: Non-Finnish European, 0.002%; no homozygotes.

Submissions (2):

Department of Otolaryngology – Head & Neck Surgery, Cochlear Implant Center
Classification: Uncertain significance for Hearing impairment. Last evaluated: 2021-04-12. Review status: criteria provided, single submitter. Criteria: ClinGen HL ACMG Specifications v1. Collection method: clinical testing. Allele origin: germline. Affected: yes.
Comment: PM2_Moderate, PP3_Supporting

Laboratory for Molecular Medicine, Mass General Brigham Personalized Medicine
Classification: Uncertain significance. Last evaluated: 2014-02-18. Review status: criteria provided, single submitter. Criteria: LMM Criteria. Collection method: clinical testing. Allele origin: germline. Observed: 1 variant allele.
Comment: The Val626Leu variant in GPSM2 has not been previously reported in individuals w ith hearing loss and was absent from large population studies. Computational pre diction tools and conservation analyses do not provide strong support for or aga inst an impact to the protein. In summary, additional information is needed to d etermine the clinical significance of this variant.